The following is an entry in ClinVar:

ClinVar aggregate classification (germline): Uncertain significance (1 of 4 stars; one submission).

gnomAD v4.1: 1 of 1,613,868 alleles (0.000062%); highest among the groups gnomAD compares: African/African-American, 0.0013%; no homozygotes.

Submission:

Labcorp Genetics (formerly Invitae), Labcorp
Classification: Uncertain significance. Last evaluated: 2025-11-27. Review status: criteria provided, single submitter. Criteria: Invitae Variant Classification Sherloc (09022015). Collection method: clinical testing. Allele origin: germline.
Comment: This sequence change replaces tyrosine, which is neutral and polar, with histidine, which is basic and polar, at codon 1310 of the DSCAML1 protein (p.Tyr1310His). This variant is present in population databases (no rsID available, gnomAD 0.01%). This variant has not been reported in the literature in individuals affected with DSCAML1-related conditions. An algorithm developed to predict the effect of missense changes on protein structure and function (PolyPhen-2) suggests that this variant is likely to be tolerated. In summary, the available evidence is currently insufficient to determine the role of this variant in disease. Therefore, it has been classified as a Variant of Uncertain Significance.

NM_020693.4(DSCAML1):c.3748T>C (p.Tyr1250His)

Gene: DSCAML1 (DS cell adhesion molecule like 1; minus strand). Cytogenetic location: 11q23.3.
Variant type: single nucleotide variant.
Coding change: c.3748T>C on transcript NM_020693.4 (MANE Select); coding-DNA position 3748, T replaced by C.
Protein change: p.Tyr1250His; replaces tyrosine 1250 with histidine.
Molecular consequence: missense variant.
Genome position (GRCh38, 1-based): chr11:117,444,000, A>G on the plus strand (T>C on the coding strand, the complement: DSCAML1 is on the minus strand). VCF-style: chr11-117444000-A-G. GRCh37 (hg19) VCF-style: chr11-117314716-A-G.
Other names: short protein forms Y1250H.
Identifiers: ClinVar variation 4728698 (VCV004728698.1).